The following is an entry in ClinVar:

NM_002470.4(MYH3):c.4172+9C>T

Gene: MYH3 (myosin heavy chain 3; minus strand). Cytogenetic location: 17p13.1.
Variant type: single nucleotide variant.
Coding change: c.4172+9C>T on transcript NM_002470.4 (MANE Select); 9 bases into the intron after coding-DNA position 4172, C replaced by T.
Molecular consequence: intron variant.
Genome position (GRCh38, 1-based): chr17:10,635,358, G>A on the plus strand (C>T on the coding strand, the complement: MYH3 is on the minus strand). VCF-style: chr17-10635358-G-A. GRCh37 (hg19) VCF-style: chr17-10538675-G-A.
Identifiers: ClinVar variation 321727 (VCV000321727.19), dbSNP rs116028239, ClinGen allele CA8392296.

ClinVar aggregate classification (germline): Benign/Likely benign. Review status: criteria provided, multiple submitters, no conflicts (2 of 4 stars). 6 submissions from 5 submitters: Benign (3); Likely benign (3). Last evaluated 2026-01-12.

Conditions:
Distal arthrogryposis type 2B1 (DA2B1). Also called: Arthrogryposis multiplex congenita distal type II with craniofacial abnormalities. Identifiers: Orphanet 1147, MedGen C5193014, MONDO:0020820, OMIM 601680.
Freeman-Sheldon syndrome (DA2A). Also called: CRANIOCARPOTARSAL DYSPLASIA; CRANIOCARPOTARSAL DYSTROPHY; WHISTLING FACE-WINDMILL VANE HAND SYNDROME; Arthrogryposis, distal, type 2A (Freeman-Sheldon). Identifiers: Orphanet 2053, MedGen C0265224, MONDO:0008675, OMIM 193700.

Allele frequency attached by ClinVar (database versions not stated): gnomAD exomes 0.00079; ExAC 0.00097; ESP Exome Variant Server 0.00315; gnomAD 0.00342 and 0.00364; 1000 Genomes Project 30x 0.00359; TOPMed 0.00377; 1000 Genomes Project 0.00379.
gnomAD v4.1: 981 of 1,614,012 alleles (0.061%); highest among the groups gnomAD compares: African/African-American, 1.2%; 4 homozygotes.

Submissions (6):

Labcorp Genetics (formerly Invitae), Labcorp
Classification: Benign. Last evaluated: 2026-01-12. Review status: criteria provided, single submitter. Criteria: Invitae Variant Classification Sherloc (09022015). Collection method: clinical testing. Allele origin: germline.

Blueprint Genetics
Classification: Likely benign. Last evaluated: 2024-06-26. Review status: criteria provided, single submitter. Criteria: ACMG Guidelines, 2015. Collection method: clinical testing. Allele origin: germline.

GeneDx
Classification: Likely benign. Last evaluated: 2020-03-06. Review status: criteria provided, single submitter. Criteria: GeneDx Variant Classification Process June 2021. Collection method: clinical testing. Allele origin: germline. Affected: yes.

Genetic Services Laboratory, University of Chicago
Classification: Benign. Last evaluated: 2020-03-05. Review status: criteria provided, single submitter. Criteria: ACMG Guidelines, 2015. Collection method: clinical testing. Allele origin: germline. Affected: no.

Illumina Laboratory Services, Illumina
Classification: Benign for Freeman-Sheldon syndrome. Last evaluated: 2018-01-13. Review status: criteria provided, single submitter. Criteria: ICSL Variant Classification Criteria 13 December 2019. Collection method: clinical testing. Allele origin: germline.
Comment: This variant was observed in the ICSL laboratory as part of a predisposition screen in an ostensibly healthy population. It had not been previously curated by ICSL or reported in the Human Gene Mutation Database (HGMD: prior to June 1st, 2018), and was therefore a candidate for classification through an automated scoring system. Utilizing variant allele frequency, disease prevalence and penetrance estimates, and inheritance mode, an automated score was calculated to assess if this variant is too frequent to cause the disease. Based on the score and internal cut-off values, a variant classified as benign is not then subjected to further curation. The score for this variant resulted in a classification of benign for this disease.

Illumina Laboratory Services, Illumina
Classification: Likely benign for Distal arthrogryposis type 2B1. Last evaluated: 2018-01-13. Review status: criteria provided, single submitter. Criteria: ICSL Variant Classification Criteria 13 December 2019. Collection method: clinical testing. Allele origin: germline.
Comment: This variant was observed in the ICSL laboratory as part of a predisposition screen in an ostensibly healthy population. It had not been previously curated by ICSL or reported in the Human Gene Mutation Database (HGMD: prior to June 1st, 2018), and was therefore a candidate for classification through an automated scoring system. Utilizing variant allele frequency, disease prevalence and penetrance estimates, and inheritance mode, an automated score was calculated to assess if this variant is too frequent to cause the disease. Based on the score and internal cut-off values, a variant classified as likely benign is not then subjected to further curation. The score for this variant resulted in a classification of likely benign for this disease.